The following is an entry in ClinVar:

ClinVar aggregate classification (germline): Uncertain significance (1 of 4 stars; one submission).

Conditions:
Ateleiotic dwarfism (IGHD1A). Also called: PITUITARY DWARFISM I; SEXUAL ATELEIOTIC DWARFISM; IGHD IA; Isolated growth hormone deficiency type 1A; Growth hormone deficiency, isolated autosomal recessive; ILLIG type growth hormone deficiency. Identifiers: Orphanet 231662, Orphanet 631, MedGen C0342573, MONDO:0009876, OMIM 262400.

Submission:

Baylor Genetics
Classification: Uncertain significance for Ateleiotic dwarfism. Last evaluated: 2018-05-23. Review status: criteria provided, single submitter. Criteria: ACMG Guidelines, 2015. Collection method: clinical testing. Allele origin: maternal. Affected: yes.
Comment: This variant was determined to be of uncertain significance according to ACMG Guidelines, 2015 [PMID:25741868].

NM_000515.5(GH1):c.188_195delinsTGAAGGAG (p.Pro63Leu)

Genes: GH-LCR (growth hormone locus control region; plus strand), GH1 (growth hormone 1; minus strand). Cytogenetic location: 17q23.3.
Variant type: Indel.
Coding change: c.188_195delinsTGAAGGAG on transcript NM_000515.5 (MANE Select); coding-DNA positions 188 to 195, CAAAGGAA replaced by TGAAGGAG.
Protein change: p.Pro63Leu; replaces proline 63 with leucine.
Molecular consequence: missense variant. On other transcripts: intron variant (2).
Genome position (GRCh38, 1-based): chr17:63,918,113-63,918,120, TTCCTTTG replaced by CTCCTTCA on the plus strand (CAAAGGAA replaced by TGAAGGAG on the coding strand, the reverse complement: GH1 is on the minus strand). VCF-style: chr17-63918113-TTCCTTTG-CTCCTTCA. GRCh37 (hg19) VCF-style: chr17-61995473-TTCCTTTG-CTCCTTCA.
Other names: c.172-196_172-189delinsTGAAGGAG (NM_022560.4); c.172-29_172-22delinsTGAAGGAG (NM_022559.4); short protein forms P63L.
Identifiers: ClinVar variation 1033063 (VCV001033063.1), dbSNP rs1907477324, ClinGen allele CA2270149587.